The following is an entry in ClinVar:

ClinVar aggregate classification (germline): Uncertain significance (1 of 4 stars; one submission).

Conditions:
Breast-ovarian cancer, familial, susceptibility to, 4. Identifiers: Orphanet 145, MedGen C3280345, MONDO:0013669, OMIM 614291.

Submission:

Labcorp Genetics (formerly Invitae), Labcorp
Classification: Uncertain significance for Breast-ovarian cancer, familial, susceptibility to, 4. Last evaluated: 2019-05-10. Review status: criteria provided, single submitter. Criteria: Invitae Variant Classification Sherloc (09022015). Collection method: clinical testing. Allele origin: germline.
Comment: This sequence change replaces glutamine with leucine at codon 327 of the RAD51D protein (p.Gln327Leu). The glutamine residue is weakly conserved and there is a moderate physicochemical difference between glutamine and leucine. This variant is not present in population databases (ExAC no frequency). This variant has not been reported in the literature in individuals with RAD51D-related conditions. Algorithms developed to predict the effect of missense changes on protein structure and function (SIFT, PolyPhen-2, Align-GVGD) all suggest that this variant is likely to be tolerated, but these predictions have not been confirmed by published functional studies and their clinical significance is uncertain. In summary, the available evidence is currently insufficient to determine the role of this variant in disease. Therefore, it has been classified as a Variant of Uncertain Significance.

NM_002878.4(RAD51D):c.980A>T (p.Gln327Leu)

Genes: RAD51D (RAD51 paralog D; minus strand), RAD51L3-RFFL (RAD51L3-RFFL readthrough; minus strand). Cytogenetic location: 17q12.
Variant type: single nucleotide variant.
Coding change: c.980A>T on transcript NM_002878.4 (MANE Select); coding-DNA position 980, A replaced by T.
Protein change: p.Gln327Leu; replaces glutamine 327 with leucine.
Molecular consequence: missense variant. On other transcripts: non-coding transcript variant (2).
Genome position (GRCh38, 1-based): chr17:35,100,960, T>A on the plus strand (A>T on the coding strand, the complement: RAD51D is on the minus strand). VCF-style: chr17-35100960-T-A. GRCh37 (hg19) VCF-style: chr17-33427979-T-A.
Other names: c.1040A>T, p.Gln347Leu (NM_001142571.2); c.644A>T, p.Gln215Leu (NM_133629.3); short protein forms Q347L, Q215L, Q327L.
Identifiers: ClinVar variation 939479 (VCV000939479.6), dbSNP rs2091527148, ClinGen allele CA399086036.
Genomic context (GRCh38, chr17:35,100,960, plus strand): 5'-AAAAGTTGGGAGGGGTCCCCAATGCTTCCCTGTTTCCCAAACAACAGCACAGGTCATGTC[T>A]GATCACCCTGTAATGTGGCACTCTGCTCTGAGGTCCCCCAGGTCCCAATGTCTACCATCT-3'
Protein context (NP_002869.3, residues 317-328): SEQSATLQGD[Gln327Leu]T